The following is an entry in ClinVar:

ClinVar aggregate classification (germline): Uncertain significance (1 of 4 stars; one submission).

Submission:

Labcorp Genetics (formerly Invitae), Labcorp
Classification: Uncertain significance. Last evaluated: 2022-02-20. Review status: criteria provided, single submitter. Criteria: Invitae Variant Classification Sherloc (09022015). Collection method: clinical testing. Allele origin: germline.
Comment: In summary, the available evidence is currently insufficient to determine the role of this variant in disease. Therefore, it has been classified as a Variant of Uncertain Significance. Algorithms developed to predict the effect of missense changes on protein structure and function are either unavailable or do not agree on the potential impact of this missense change (SIFT: "Not Available"; PolyPhen-2: "Benign"; Align-GVGD: "Not Available"). This variant has not been reported in the literature in individuals affected with ADAMTS17-related conditions. Information on the frequency of this variant in the gnomAD database is not available, as this variant may be reported differently in the database. This sequence change replaces arginine, which is basic and polar, with leucine, which is neutral and non-polar, at codon 118 of the ADAMTS17 protein (p.Arg118Leu).

NM_139057.4(ADAMTS17):c.353_354delinsTT (p.Arg118Leu)

Gene: ADAMTS17 (ADAM metallopeptidase with thrombospondin type 1 motif 17; minus strand). Cytogenetic location: 15q26.3.
Variant type: Indel.
Coding change: c.353_354delinsTT on transcript NM_139057.4 (MANE Select); coding-DNA positions 353 to 354, GC replaced by TT.
Protein change: p.Arg118Leu; replaces arginine 118 with leucine.
Molecular consequence: missense variant.
Genome position (GRCh38, 1-based): chr15:100,341,135-100,341,136, GC replaced by AA on the plus strand (GC replaced by TT on the coding strand, the reverse complement: ADAMTS17 is on the minus strand). VCF-style: chr15-100341135-GC-AA. GRCh37 (hg19) VCF-style: chr15-100881340-GC-AA.
Other names: short protein forms R118L.
Identifiers: ClinVar variation 2100325 (VCV002100325.4), dbSNP rs2548992812, ClinGen allele CA2580089769.